The following is an entry in ClinVar:

NM_000219.6(KCNE1):c.206A>G (p.Lys69Arg)

Gene: KCNE1 (potassium voltage-gated channel subfamily E regulatory subunit 1; minus strand). Cytogenetic location: 21q22.12.
Variant type: single nucleotide variant.
Coding change: c.206A>G on transcript NM_000219.6 (MANE Select); coding-DNA position 206, A replaced by G.
Protein change: p.Lys69Arg; replaces lysine 69 with arginine.
Molecular consequence: missense variant.
Genome position (GRCh38, 1-based): chr21:34,449,429, T>C on the plus strand (A>G on the coding strand, the complement: KCNE1 is on the minus strand). VCF-style: chr21-34449429-T-C. GRCh37 (hg19) VCF-style: chr21-35821727-T-C.
Other names: c.206A>G, p.Lys69Arg (NM_001127668.4, NM_001127669.4, NM_001127670.4 and 4 more transcripts); c.206A>G (LRG_290t1); short protein forms K69R.
Identifiers: ClinVar variation 132662 (VCV000132662.16), dbSNP rs149338401, ClinGen allele CA231702.

ClinVar aggregate classification (germline): Conflicting classifications of pathogenicity. Review status: criteria provided, conflicting classifications (1 of 4 stars). 6 submissions from 6 submitters: Uncertain significance (2); Likely benign (3). 1 of the submissions does not count toward it. Last evaluated 2026-01-13.

Conditions:
Cardiovascular phenotype. Identifiers: MedGen CN230736.
Long QT syndrome (LQTS). Identifiers: MedGen C0023976, MeSH D008133, MONDO:0002442. Disease mechanism: loss of function. Inheritance: Various modes of inheritance.

Allele frequency attached by ClinVar (database versions not stated): gnomAD exomes 0.00002 and 0.00004; ExAC 0.00004; ESP Exome Variant Server 0.00008; gnomAD 0.00020 and 0.00024; TOPMed 0.00031.
gnomAD v4.1: 60 of 1,570,944 alleles (0.0038%); highest among the groups gnomAD compares: African/African-American, 0.077%; no homozygotes.

Submissions (7):

Labcorp Genetics (formerly Invitae), Labcorp
Classification: Likely benign for Long QT syndrome. Last evaluated: 2026-01-13. Review status: criteria provided, single submitter. Criteria: Invitae Variant Classification Sherloc (09022015). Collection method: clinical testing. Allele origin: germline.

Women's Health and Genetics/Laboratory Corporation of America, LabCorp
Classification: Uncertain significance. Last evaluated: 2026-01-05. Review status: criteria provided, single submitter. Criteria: LabCorp Variant Classification Summary - May 2015. Collection method: clinical testing. Allele origin: germline.
Comment: Variant summary: KCNE1 c.206A>G (p.Lys69Arg) results in a conservative amino acid change in the encoded protein sequence. Algorithms developed to predict the effect of missense changes on protein structure and function are either unavailable or do not agree on the potential impact of this missense change. The variant allele was found at a frequency of 4.4e-05 in 251408 control chromosomes, predominantly at a frequency of 0.00062 within the African or African-American subpopulation in the gnomAD database. This frequency is not significantly higher than estimated for disease-causing variants in KCNE1, allowing no conclusion about variant significance. To our knowledge, no occurrence of c.206A>G in individuals affected with KCNE1-related conditions has been reported. At least one publication reports experimental evidence evaluating an impact on protein function. The most pronounced variant effect results in >50%-90% of normal activity (example: Erlandsdotter_2023). The following publication has been ascertained in the context of this evaluation (PMID: 24710009). ClinVar contains an entry for this variant (Variation ID: 132662). Based on the evidence outlined above, the variant was classified as uncertain significance.

Ambry Genetics
Classification: Likely benign for Cardiovascular phenotype. Last evaluated: 2022-12-15. Review status: criteria provided, single submitter. Criteria: Ambry Variant Classification Scheme 2023. Collection method: clinical testing. Allele origin: germline.

GeneDx
Classification: Uncertain significance. Last evaluated: 2021-03-16. Review status: criteria provided, single submitter. Criteria: GeneDx Variant Classification Process June 2021. Collection method: clinical testing. Allele origin: germline. Affected: yes.
Comment: Reported in ClinVar (ClinVar Variant ID# 132662; Landrum et al., 2016); In silico analysis, which includes protein predictors and evolutionary conservation, supports that this variant does not alter protein structure/function; This variant is associated with the following publications: (PMID: 14661677, 22581653, 25649125, 23861362, 22947121, 24710009)

Biesecker Lab/Clinical Genomics Section, National Institutes of Health
Classification: Likely benign. Last evaluated: 2013-06-24. Review status: criteria provided, single submitter. Criteria: Ng et al. (Circ Cardiovasc Genet. 2013). Collection method: research. Allele origin: unknown. Observed: 1 variant allele. Study: ClinSeq.
Comment: The study set was not selected for affection status in relation to any cancer. Pathogenicity categories were based on literature curation. See Pubmed ID:23861362 for details.

Medical sequencing

Cardiovascular Biomedical Research Unit, Royal Brompton & Harefield NHS Foundation Trust
No classification provided. Review status: no classification provided. Collection method: literature only. Allele origin: germline. Not counted in ClinVar's aggregate classification.
Comment: This variant has been reported in the following publications (PMID:14661677).

Roden Lab, Vanderbilt University Medical Center
No classification provided (evidence only). Condition: Long QT syndrome 5. Review status: no classification provided. Collection method: in vitro. Allele origin: not applicable. Functional consequence: Effect on ion channel function. Not counted in ClinVar's aggregate classification.
ClinVar note: "not provided" was previously submitted as the classification for the variant. However, the classification appeared to be based only on an observation of functional data so it was converted to no classification on 2025-07-30.

Literature cited by the submitters: PubMed 24710009 (cited by Women's Health and Genetics/Laboratory Corporation of America, LabCorp); PubMed 14661677 (cited by Ambry Genetics and Cardiovascular Biomedical Research Unit, Royal Brompton & Harefield NHS Foundation Trust); PubMed 23861362 (cited by Ambry Genetics); PubMed 22581653 (cited by Cardiovascular Biomedical Research Unit, Royal Brompton & Harefield NHS Foundation Trust).